The following is an entry in ClinVar:

NM_003611.3(OFD1):c.2600-3T>C

Gene: OFD1 (OFD1 centriole and centriolar satellite protein; plus strand). Cytogenetic location: Xp22.2.
Variant type: single nucleotide variant.
Coding change: c.2600-3T>C on transcript NM_003611.3 (MANE Select); 3 bases into the intron before coding-DNA position 2600, T replaced by C.
Molecular consequence: intron variant.
Genome position (GRCh38, 1-based): chrX:13,767,124, T>C. VCF-style: chrX-13767124-T-C. GRCh37 (hg19) VCF-style: chrX-13785243-T-C.
Other names: c.2180-3T>C (NM_001330210.2); c.2480-3T>C (NM_001330209.2).
Identifiers: ClinVar variation 3598099 (VCV003598099.2).

ClinVar aggregate classification (germline): Uncertain significance. Review status: criteria provided, multiple submitters, no conflicts (2 of 4 stars). 2 submissions from 2 submitters: Uncertain significance (2). Last evaluated 2025-03-04.

Conditions:
Simpson-Golabi-Behmel syndrome type 2. Identifiers: Orphanet 79022, MedGen C1846175, MONDO:0010265, OMIM 300209.
Joubert syndrome 10 (JBTS10). Identifiers: Orphanet 2754, MedGen C2749019, MONDO:0010431, OMIM 300804.
Retinitis pigmentosa 23 (RP23). Identifiers: Orphanet 791, MedGen C1419610, MONDO:0010320, OMIM 300424.
Orofaciodigital syndrome I (OFD1). Also called: OFDS I; Papillon-Leage and Psaume Syndrome; Oral-Facial-Digital Syndrome Type I. Identifiers: Orphanet 2750, MedGen C1510460, MONDO:0010702, OMIM 311200.
Joubert syndrome. Also called: CEREBELLOPARENCHYMAL DISORDER IV; JOUBERT-BOLTSHAUSER SYNDROME; Familial aplasia of the vermis. Identifiers: Orphanet 475, MedGen C5979921, MONDO:0018772.

Submissions (2):

Labcorp Genetics (formerly Invitae), Labcorp
Classification: Uncertain significance for Orofaciodigital syndrome I; Joubert syndrome. Last evaluated: 2025-03-04. Review status: criteria provided, single submitter. Criteria: Invitae Variant Classification Sherloc (09022015). Collection method: clinical testing. Allele origin: germline.
Comment: This sequence change falls in intron 19 of the OFD1 gene. It does not directly change the encoded amino acid sequence of the OFD1 protein. It affects a nucleotide within the consensus splice site. This variant is not present in population databases (gnomAD no frequency). This variant has not been reported in the literature in individuals affected with OFD1-related conditions. ClinVar contains an entry for this variant (Variation ID: 3598099). Variants that disrupt the consensus splice site are a relatively common cause of aberrant splicing (PMID: 17576681, 9536098). Algorithms developed to predict the effect of sequence changes on RNA splicing suggest that this variant is not likely to affect RNA splicing. In summary, the available evidence is currently insufficient to determine the role of this variant in disease. Therefore, it has been classified as a Variant of Uncertain Significance.

Fulgent Genetics
Classification: Uncertain significance for Simpson-Golabi-Behmel syndrome type 2; Retinitis pigmentosa 23; Joubert syndrome 10; Orofaciodigital syndrome I. Last evaluated: 2024-02-19. Review status: criteria provided, single submitter. Criteria: ACMG Guidelines, 2015. Collection method: clinical testing. Allele origin: germline.

Literature cited by the submitters: PubMed 17576681 (cited by Labcorp Genetics (formerly Invitae), Labcorp); PubMed 9536098 (cited by Labcorp Genetics (formerly Invitae), Labcorp).